The following is an entry in ClinVar:

NM_001110556.2(FLNA):c.1613A>G (p.Tyr538Cys)

Gene: FLNA (filamin A; minus strand). Cytogenetic location: Xq28.
Variant type: single nucleotide variant.
Coding change: c.1613A>G on transcript NM_001110556.2 (MANE Select); coding-DNA position 1613, A replaced by G.
Protein change: p.Tyr538Cys; replaces tyrosine 538 with cysteine.
Molecular consequence: missense variant.
Genome position (GRCh38, 1-based): chrX:154,365,214, T>C on the plus strand (A>G on the coding strand, the complement: FLNA is on the minus strand). VCF-style: chrX-154365214-T-C. GRCh37 (hg19) VCF-style: chrX-153593582-T-C.
Other names: c.1613A>G, p.Tyr538Cys (NM_001456.4); short protein forms Y538C.
Identifiers: ClinVar variation 533568 (VCV000533568.11), dbSNP rs1557178932, ClinGen allele CA415243188.
Genomic context (GRCh38, chrX:154,365,214, plus strand): 5'-CCACCCCACGTGATGGTGACGATATAGGTTCCAGGGACCATGGGGTAATACTCGAAGCCA[T>C]ACACGCCATCCCCCAGGTCCTTCTGCTTCACGCGCTCCTCTCCCTCTGCCAAGACAAGGA-3'
Protein context (NP_001104026.1, residues 528-548): VKQKDLGDGV[Tyr538Cys]GFEYYPMVPG

ClinVar aggregate classification (germline): Conflicting classifications of pathogenicity. Review status: criteria provided, conflicting classifications (1 of 4 stars). 2 submissions from 2 submitters: Uncertain significance (1); Likely benign (1). Last evaluated 2024-06-22.

Conditions:
Melnick-Needles syndrome (MNS). Also called: MELNICK-NEEDLES OSTEODYSPLASTY; Melnick-Needles Syndrome (FLNA-MNS); OSTEODYSPLASTY OF MELNICK AND NEEDLES. Identifiers: Orphanet 2484, MedGen C0025237, MONDO:0010650, OMIM 309350.
Frontometaphyseal dysplasia (FMD1). Identifiers: Orphanet 1826, MedGen C0265293, MONDO:0015942.
Heterotopia, periventricular, X-linked dominant (PVNH1). Also called: PERIVENTRICULAR NODULAR HETEROTOPIA 4; HETEROTOPIA, PERIVENTRICULAR, 1; PERIVENTRICULAR NODULAR HETEROTOPIA 1; X-linked periventricular heterotopia. Identifiers: Orphanet 2149, Orphanet 82004, MedGen C1848213, MONDO:0010233, OMIM 300049.
Oto-palato-digital syndrome, type II (OPD2). Also called: Otopalatodigital Syndrome Type 2 (FLNA-OPD2); FACIOPALATOOSSEOUS SYNDROME; OPD II SYNDROME; Otopalatodigital Syndrome, Type II. Identifiers: Orphanet 669, Orphanet 90652, MedGen C1844696, MONDO:0010571, OMIM 304120.

Allele frequency attached by ClinVar (database versions not stated): gnomAD exomes below 0.00001 and 0.00001.
gnomAD v4.1: 1 of 1,211,509 alleles (0.000083%); highest among the groups gnomAD compares: Admixed American, 0.0022%; no homozygotes.

Submissions (2):

Labcorp Genetics (formerly Invitae), Labcorp
Classification: Likely benign for Oto-palato-digital syndrome, type II; Heterotopia, periventricular, X-linked dominant; Frontometaphyseal dysplasia; Melnick-Needles syndrome. Last evaluated: 2024-06-22. Review status: criteria provided, single submitter. Criteria: Invitae Variant Classification Sherloc (09022015). Collection method: clinical testing. Allele origin: germline.

GeneDx
Classification: Uncertain significance. Last evaluated: 2023-08-01. Review status: criteria provided, single submitter. Criteria: GeneDx Variant Classification Process June 2021. Collection method: clinical testing. Allele origin: germline. Affected: yes.
Comment: Not observed at significant frequency in large population cohorts (gnomAD); In silico analysis supports that this missense variant has a deleterious effect on protein structure/function; Has not been previously published as pathogenic or benign to our knowledge